The following is an entry in ClinVar:

NM_003322.6(TULP1):c.1216G>A (p.Val406Met)

Gene: TULP1 (TUB like protein 1; minus strand). Cytogenetic location: 6p21.31.
Variant type: single nucleotide variant.
Coding change: c.1216G>A on transcript NM_003322.6 (MANE Select); coding-DNA position 1216, G replaced by A.
Protein change: p.Val406Met; replaces valine 406 with methionine.
Molecular consequence: missense variant.
Genome position (GRCh38, 1-based): chr6:35,503,745, C>T on the plus strand (G>A on the coding strand, the complement: TULP1 is on the minus strand). VCF-style: chr6-35503745-C-T. GRCh37 (hg19) VCF-style: chr6-35471522-C-T.
Other names: c.1057G>A, p.Val353Met (NM_001289395.2); short protein forms V353M, V406M.
Identifiers: ClinVar variation 1373753 (VCV001373753.3), dbSNP rs2150924217, ClinGen allele CA363779259.

ClinVar aggregate classification (germline): Uncertain significance (1 of 4 stars; one submission).

gnomAD v4.1: 2 of 1,612,800 alleles (0.00012%); highest among the groups gnomAD compares: Non-Finnish European, 0.00017%; no homozygotes.

Submission:

Labcorp Genetics (formerly Invitae), Labcorp
Classification: Uncertain significance. Last evaluated: 2022-10-01. Review status: criteria provided, single submitter. Criteria: Invitae Variant Classification Sherloc (09022015). Collection method: clinical testing. Allele origin: germline.
Comment: This sequence change replaces valine, which is neutral and non-polar, with methionine, which is neutral and non-polar, at codon 406 of the TULP1 protein (p.Val406Met). This variant is not present in population databases (gnomAD no frequency). This variant has not been reported in the literature in individuals affected with TULP1-related conditions. ClinVar contains an entry for this variant (Variation ID: 1373753). Advanced modeling of protein sequence and biophysical properties (such as structural, functional, and spatial information, amino acid conservation, physicochemical variation, residue mobility, and thermodynamic stability) has been performed at Invitae for this missense variant, however the output from this modeling did not meet the statistical confidence thresholds required to predict the impact of this variant on TULP1 protein function. In summary, the available evidence is currently insufficient to determine the role of this variant in disease. Therefore, it has been classified as a Variant of Uncertain Significance.